The following is an entry in ClinVar:

NM_014956.5(CEP164):c.3039_3040dup (p.Gln1014fs)

Gene: CEP164 (centrosomal protein 164; plus strand). Cytogenetic location: 11q23.3.
Variant type: Duplication.
Coding change: c.3039_3040dup on transcript NM_014956.5 (MANE Select); coding-DNA positions 3039 to 3040, 2 bases duplicated (CC; older notation c.3039_3040dupCC).
Protein change: p.Gln1014fs; shifts the reading frame from glutamine 1014.
Molecular consequence: frameshift variant.
Genome position (GRCh38, 1-based): chr11:117,395,672-117,395,673, CC duplicated; duplicating any 2 consecutive bases within chr11:117,395,671-117,395,673 gives the same sequence; the c. name uses the placement nearest the transcript's 3' end. VCF-style (leftmost placement, unchanged base first): chr11-117395670-T-TCC. GRCh37 (hg19) VCF-style: chr11-117266386-T-TCC.
Other names: c.3048_3049dup, p.Gln1017fs (NM_001271933.2); short protein forms Q1014fs, Q1017fs.
Identifiers: ClinVar variation 1902136 (VCV001902136.5), dbSNP rs747130165, ClinGen allele CA6295306.

ClinVar aggregate classification (germline): Pathogenic/Likely pathogenic. Review status: criteria provided, multiple submitters, no conflicts (2 of 4 stars). 2 submissions from 2 submitters: Pathogenic (1); Likely pathogenic (1). Last evaluated 2026-01-10.

Conditions:
Nephronophthisis 15 (NPHP15). Identifiers: Orphanet 3156, MedGen C3541853, MONDO:0013917, OMIM 614845.

Submissions (2):

Variantyx, Inc.
Classification: Likely pathogenic for Nephronophthisis 15. Last evaluated: 2026-01-10. Review status: criteria provided, single submitter. Criteria: Variantyx Assertion Criteria 2022. Collection method: clinical testing. Allele origin: germline. Inheritance: Autosomal recessive inheritance. Affected: no.
Comment: This is a frameshift variant in the CEP164 gene (OMIM: 614848). Pathogenic variants in this gene have been associated with autosomal recessive nephronophthisis 15. This variant introduces a premature termination codon in exon 24 out of 33 and is expected to result in loss of function, which is a known disease mechanism for CEP164 in this disorder (PVS1) (PMID:934499853,22863007,37324592). This variant has a 0.0054% maximum allele frequency in non-founder control populations (PM2). Based on the current evidence, this variant is classified as likely pathogenic for autosomal recessive nephronophthisis 15.

Labcorp Genetics (formerly Invitae), Labcorp
Classification: Pathogenic for Nephronophthisis 15. Last evaluated: 2022-12-09. Review status: criteria provided, single submitter. Criteria: Invitae Variant Classification Sherloc (09022015). Collection method: clinical testing. Allele origin: germline.
Comment: This sequence change creates a premature translational stop signal (p.Gln1014Profs*31) in the CEP164 gene. It is expected to result in an absent or disrupted protein product. Loss-of-function variants in CEP164 are known to be pathogenic (PMID: 22863007, 28125082, 32367404, 34132027, 34499853). This variant is present in population databases (rs747130165, gnomAD 0.008%). This variant has not been reported in the literature in individuals affected with CEP164-related conditions. For these reasons, this variant has been classified as Pathogenic.

Literature cited by the submitters: PubMed 34499853 (cited by Variantyx, Inc. and Labcorp Genetics (formerly Invitae), Labcorp); PubMed 22863007 (cited by Variantyx, Inc. and Labcorp Genetics (formerly Invitae), Labcorp); PubMed 37324592 (cited by Variantyx, Inc.); PubMed 28125082 (cited by Labcorp Genetics (formerly Invitae), Labcorp); PubMed 32367404 (cited by Labcorp Genetics (formerly Invitae), Labcorp); PubMed 34132027 (cited by Labcorp Genetics (formerly Invitae), Labcorp).